The following is an entry in ClinVar:

NM_001371986.1(UNC80):c.7189+4A>G

Gene: UNC80 (unc-80 homolog, NALCN channel complex subunit; plus strand). Cytogenetic location: 2q34.
Variant type: single nucleotide variant.
Coding change: c.7189+4A>G on transcript NM_001371986.1 (MANE Select); 4 bases into the intron after coding-DNA position 7189, A replaced by G.
Molecular consequence: intron variant.
Genome position (GRCh38, 1-based): chr2:209,945,193, A>G. VCF-style: chr2-209945193-A-G. GRCh37 (hg19) VCF-style: chr2-210809917-A-G.
Other names: c.6991+4A>G (NM_032504.2); c.6976+4A>G (NM_182587.4).
Identifiers: ClinVar variation 1706394 (VCV001706394.2), dbSNP rs1039066032, ClinGen allele CA65042996.

ClinVar aggregate classification (germline): Uncertain significance (1 of 4 stars; one submission).

Allele frequency attached by ClinVar (database versions not stated): TOPMed below 0.00001.

Submission:

GeneDx
Classification: Uncertain significance. Last evaluated: 2022-03-17. Review status: criteria provided, single submitter. Criteria: GeneDx Variant Classification Process June 2021. Collection method: clinical testing. Allele origin: germline. Affected: yes.
Comment: Not observed at significant frequency in large population cohorts (gnomAD); In silico analysis supports that this variant does not alter splicing; Has not been previously published as pathogenic or benign to our knowledge